The following is an entry in ClinVar:

NM_005045.4(RELN):c.4937-15A>T

Gene: RELN (reelin; minus strand). Cytogenetic location: 7q22.1.
Variant type: single nucleotide variant.
Coding change: c.4937-15A>T on transcript NM_005045.4 (MANE Select); 15 bases into the intron before coding-DNA position 4937, A replaced by T.
Molecular consequence: intron variant.
Genome position (GRCh38, 1-based): chr7:103,565,566, T>A on the plus strand (A>T on the coding strand, the complement: RELN is on the minus strand). VCF-style: chr7-103565566-T-A. GRCh37 (hg19) VCF-style: chr7-103206013-T-A.
Other names: c.4937-15A>T (NM_173054.2, NM_173054.3).
Identifiers: ClinVar variation 358399 (VCV000358399.20), dbSNP rs2711839, ClinGen allele CA4421361.

ClinVar aggregate classification (germline): Benign/Likely benign. Review status: criteria provided, multiple submitters, no conflicts (2 of 4 stars). 6 submissions from 6 submitters: Benign (2); Likely benign (4). Last evaluated 2026-02-03.

Conditions:
Familial temporal lobe epilepsy 7. Identifiers: Orphanet 101046, MedGen C4225327, MONDO:0014639, OMIM 616436.
Norman-Roberts syndrome (LIS2). Also called: Lissencephaly 2 (Norman-Roberts type). Identifiers: Orphanet 89844, MedGen C0796089, MONDO:0009760, OMIM 257320.

Allele frequency attached by ClinVar (database versions not stated): ESP Exome Variant Server 0.00308; gnomAD 0.00489 and 0.00514; TOPMed 0.00536; 1000 Genomes Project 30x 0.00578; 1000 Genomes Project 0.00619.
gnomAD v4.1: 1,609 of 1,485,806 alleles (0.11%); highest among the groups gnomAD compares: African/African-American, 1.7%; 7 homozygotes.

Submissions (6):

Labcorp Genetics (formerly Invitae), Labcorp
Classification: Benign for Familial temporal lobe epilepsy 7; Norman-Roberts syndrome. Last evaluated: 2026-02-03. Review status: criteria provided, single submitter. Criteria: Invitae Variant Classification Sherloc (09022015). Collection method: clinical testing. Allele origin: germline.

Genomic Medicine Center of Excellence, King Faisal Specialist Hospital and Research Centre
Classification: Likely benign. Last evaluated: 2025-08-18. Review status: criteria provided, single submitter. Criteria: ACMG Guidelines, 2015. Collection method: clinical testing. Allele origin: germline.

Blueprint Genetics
Classification: Likely benign. Last evaluated: 2024-11-26. Review status: criteria provided, single submitter. Criteria: ACMG Guidelines, 2015. Collection method: clinical testing. Allele origin: germline.

GeneDx
Classification: Likely benign. Last evaluated: 2018-12-09. Review status: criteria provided, single submitter. Criteria: GeneDx Variant Classification Process June 2021. Collection method: clinical testing. Allele origin: germline. Affected: yes.

Illumina Laboratory Services, Illumina
Classification: Benign for Norman-Roberts syndrome. Last evaluated: 2018-01-13. Review status: criteria provided, single submitter. Criteria: ICSL Variant Classification Criteria 13 December 2019. Collection method: clinical testing. Allele origin: germline.
Comment: This variant was observed in the ICSL laboratory as part of a predisposition screen in an ostensibly healthy population. It had not been previously curated by ICSL or reported in the Human Gene Mutation Database (HGMD: prior to June 1st, 2018), and was therefore a candidate for classification through an automated scoring system. Utilizing variant allele frequency, disease prevalence and penetrance estimates, and inheritance mode, an automated score was calculated to assess if this variant is too frequent to cause the disease. Based on the score and internal cut-off values, a variant classified as benign is not then subjected to further curation. The score for this variant resulted in a classification of benign for this disease.

Breakthrough Genomics
Classification: Likely benign. Review status: criteria provided, single submitter. Criteria: ACMG Guidelines, 2015. Collection method: not provided. Allele origin: germline. Inheritance: Autosomal recessive inheritance. Affected: yes.